The following is an entry in ClinVar:

NM_001908.5(CTSB):c.126+5G>A

Genes: CTSB (cathepsin B), LOC121268921 (Sharpr-MPRA regulatory region 10233). Cytogenetic location: 8p23.1.
Variant type: single nucleotide variant.
Coding change: c.126+5G>A on transcript NM_001908.5 (MANE Select); 5 bases into the intron after coding-DNA position 126, G replaced by A.
Molecular consequence: intron variant.
Genome position (GRCh38, 1-based): chr8:11,853,324, C>T on the plus strand (G>A on the coding strand, the complement: CTSB is on the minus strand). VCF-style: chr8-11853324-C-T. GRCh37 (hg19) VCF-style: chr8-11710833-C-T.
Other names: c.126+5G>A (NM_001384728.1, NM_147783.4, NM_147781.4 and 8 more transcripts); c.-128+5G>A (NM_001317237.2).
Identifiers: ClinVar variation 1494204 (VCV001494204.6), dbSNP rs756274476, ClinGen allele CA172105870.
Genomic context (GRCh38, chr8:11,853,324, plus strand): 5'-CTGGAGTCAGTGTGCACAGACCGACCTGGGAGGGGACATACATAGGACGCAGCCCCACAG[C>T]CTACCTGCCACGTGGTATTCCGTTTGTTGACATAGTTGACCAGCTCATCCGACAGGGGAT-3'

ClinVar aggregate classification (germline): Uncertain significance (1 of 4 stars; one submission).

Allele frequency attached by ClinVar (database versions not stated): gnomAD exomes below 0.00001; gnomAD 0.00001 and 0.00002; TOPMed 0.00003.

Submission:

Labcorp Genetics (formerly Invitae), Labcorp
Classification: Uncertain significance. Last evaluated: 2020-12-17. Review status: criteria provided, single submitter. Criteria: Invitae Variant Classification Sherloc (09022015). Collection method: clinical testing. Allele origin: germline.
Comment: This variant has not been reported in the literature in individuals with CTSB-related conditions. In summary, the available evidence is currently insufficient to determine the role of this variant in disease. Therefore, it has been classified as a Variant of Uncertain Significance. Nucleotide substitutions within the consensus splice site are a relatively common cause of aberrant splicing (PMID: 17576681, 9536098). This variant is not present in population databases (ExAC no frequency). This sequence change falls in intron 2 of the CTSB gene. It does not directly change the encoded amino acid sequence of the CTSB protein. It affects a nucleotide within the consensus splice site of the intron.

Literature cited by the submitters: PubMed 17576681; PubMed 9536098.